The following is an entry in ClinVar:

ClinVar aggregate classification (germline): Uncertain significance. Review status: criteria provided, multiple submitters, no conflicts (2 of 4 stars). 2 submissions from 2 submitters: Uncertain significance (2). Last evaluated 2026-01-15.

Conditions:
Intellectual disability, CASK-related, X-linked. Identifiers: MedGen CN043158.

Allele frequency attached by ClinVar (database versions not stated): gnomAD exomes 0.00001.
gnomAD v4.1: 8 of 1,208,154 alleles (0.00066%); highest among the groups gnomAD compares: Admixed American, 0.0022%; no homozygotes.

Submissions (2):

GeneDx
Classification: Uncertain significance. Last evaluated: 2026-01-15. Review status: criteria provided, single submitter. Criteria: GeneDx Variant Classification Process June 2021. Collection method: clinical testing. Allele origin: germline.
Comment: In silico analysis suggests that this missense variant does not alter protein structure/function; Has not been previously published as pathogenic or benign to our knowledge

Labcorp Genetics (formerly Invitae), Labcorp
Classification: Uncertain significance for Intellectual disability, CASK-related, X-linked. Last evaluated: 2024-12-02. Review status: criteria provided, single submitter. Criteria: Invitae Variant Classification Sherloc (09022015). Collection method: clinical testing. Allele origin: germline.
Comment: This sequence change replaces serine, which is neutral and polar, with threonine, which is neutral and polar, at codon 918 of the CASK protein (p.Ser918Thr). This variant is present in population databases (no rsID available, gnomAD 0.004%). This variant has not been reported in the literature in individuals affected with CASK-related conditions. ClinVar contains an entry for this variant (Variation ID: 1964785). Invitae Evidence Modeling of protein sequence and biophysical properties (such as structural, functional, and spatial information, amino acid conservation, physicochemical variation, residue mobility, and thermodynamic stability) indicates that this missense variant is not expected to disrupt CASK protein function with a negative predictive value of 80%. In summary, the available evidence is currently insufficient to determine the role of this variant in disease. Therefore, it has been classified as a Variant of Uncertain Significance.

NM_001367721.1(CASK):c.2767T>A (p.Ser923Thr)

Genes: CASK (calcium/calmodulin dependent serine protein kinase; minus strand), CASK-AS1 (CASK antisense RNA 1; plus strand). Cytogenetic location: Xp11.4.
Variant type: single nucleotide variant.
Coding change: c.2767T>A on transcript NM_001367721.1 (MANE Select); coding-DNA position 2767, T replaced by A.
Protein change: p.Ser923Thr; replaces serine 923 with threonine.
Molecular consequence: missense variant.
Genome position (GRCh38, 1-based): chrX:41,520,434, A>T on the plus strand (T>A on the coding strand, the complement: CASK is on the minus strand). VCF-style: chrX-41520434-A-T. GRCh37 (hg19) VCF-style: chrX-41379687-A-T.
Other names: c.2683T>A, p.Ser895Thr (NM_001126054.3); c.2680T>A, p.Ser894Thr (NM_001126055.3); c.2749T>A, p.Ser917Thr (NM_001410745.1); c.2752T>A, p.Ser918Thr (NM_003688.4); short protein forms S894T, S923T, S895T, S917T, S918T.
Identifiers: ClinVar variation 1964785 (VCV001964785.7), dbSNP rs1292052935, ClinGen allele CA412988670.